The following is an entry in ClinVar:

NM_001374385.1(ATP8B1):c.1105dup (p.Ser369fs)

Gene: ATP8B1 (ATPase phospholipid transporting 8B1; minus strand). Cytogenetic location: 18q21.31.
Variant type: Duplication.
Coding change: c.1105dup on transcript NM_001374385.1 (MANE Select); coding-DNA position 1105, one base duplicated (T; older notation c.1105dupT).
Protein change: p.Ser369fs; shifts the reading frame from serine 369.
Molecular consequence: frameshift variant.
Genome position (GRCh38, 1-based): chr18:57,691,922, A duplicated on the plus strand (T on the coding strand, the reverse complement: ATP8B1 is on the minus strand); the first of 2 consecutive A bases (chr18:57,691,922-57,691,923); duplicating either gives the same sequence. VCF-style (leftmost placement, unchanged base first): chr18-57691921-G-GA. GRCh37 (hg19) VCF-style: chr18-55359153-G-GA.
Other names: c.955dup, p.Ser319fs (NM_001374386.1); c.1105dup, p.Ser369fs (NM_005603.6); short protein forms S319fs, S369fs.
Identifiers: ClinVar variation 2725205 (VCV002725205.3), dbSNP rs2511757617, ClinGen allele CA2697555550.

ClinVar aggregate classification (germline): Pathogenic (1 of 4 stars; one submission).

Submission:

Labcorp Genetics (formerly Invitae), Labcorp
Classification: Pathogenic. Last evaluated: 2023-07-09. Review status: criteria provided, single submitter. Criteria: Invitae Variant Classification Sherloc (09022015). Collection method: clinical testing. Allele origin: germline.
Comment: This sequence change creates a premature translational stop signal (p.Ser369Phefs*7) in the ATP8B1 gene. It is expected to result in an absent or disrupted protein product. Loss-of-function variants in ATP8B1 are known to be pathogenic (PMID: 15239083, 22525741). This variant is not present in population databases (gnomAD no frequency). This variant has not been reported in the literature in individuals affected with ATP8B1-related conditions. For these reasons, this variant has been classified as Pathogenic.

Literature cited by the submitters: PubMed 15239083; PubMed 22525741.